The following is an entry in ClinVar:

NM_000038.6(APC):c.2328A>C (p.Ile776=)

Gene: APC (APC regulator of Wnt signaling pathway; plus strand). Cytogenetic location: 5q22.2.
Variant type: single nucleotide variant.
Coding change: c.2328A>C on transcript NM_000038.6 (MANE Select); coding-DNA position 2328, A replaced by C.
Protein change: p.Ile776=; no amino-acid change (isoleucine 776 retained).
Molecular consequence: synonymous variant. On other transcripts: non-coding transcript variant (2).
Genome position (GRCh38, 1-based): chr5:112,837,922, A>C. VCF-style: chr5-112837922-A-C. GRCh37 (hg19) VCF-style: chr5-112173619-A-C.
Other names: c.2328A>C (NM_000038.5); c.2328A>C, p.Ile776= (NM_001127510.3, NM_001354895.2, NM_001407450.1); c.2274A>C, p.Ile758= (NM_001127511.3); c.2382A>C, p.Ile794= (NM_001354896.2, NM_001407447.1, NM_001407448.1 and 1 more transcripts); c.2358A>C, p.Ile786= (NM_001354897.2); c.2253A>C, p.Ile751= (NM_001354898.2); c.2244A>C, p.Ile748= (NM_001354899.2); c.2205A>C, p.Ile735= (NM_001354900.2); and 12 more.
Identifiers: ClinVar variation 2161665 (VCV002161665.6), dbSNP rs2149866464, ClinGen allele CA445963366.

ClinVar aggregate classification (germline): Benign/Likely benign. Review status: criteria provided, multiple submitters, no conflicts (2 of 4 stars). 3 submissions from 3 submitters: Benign (1); Likely benign (2). Last evaluated 2024-11-14.

Conditions:
Hereditary cancer-predisposing syndrome. Also called: Hereditary Cancer Syndrome; Neoplastic Syndromes, Hereditary; Tumor predisposition; Hereditary neoplastic syndrome. Identifiers: Orphanet 140162, MedGen C0027672, MeSH D009386, MONDO:0015356.
Familial adenomatous polyposis 1 (FAP1). Also called: POLYPOSIS, ADENOMATOUS INTESTINAL; FAMILIAL ADENOMATOUS POLYPOSIS 1, ATTENUATED. Identifiers: MedGen C2713442, MONDO:0021056, OMIM 175100. Disease mechanism: loss of function.

gnomAD v4.1: 1 of 1,614,146 alleles (0.000062%); no homozygotes.

Submissions (3):

Ambry Genetics
Classification: Likely benign for Hereditary cancer-predisposing syndrome. Last evaluated: 2024-11-14. Review status: criteria provided, single submitter. Criteria: Ambry Variant Classification Scheme 2023. Collection method: clinical testing. Allele origin: germline.

Myriad Genetics, Inc.
Classification: Benign for Familial adenomatous polyposis 1. Last evaluated: 2024-03-11. Review status: criteria provided, single submitter. Criteria: Myriad Autosomal Dominant, Autosomal Recessive and X-Linked Classification Criteria (2023). Collection method: clinical testing. Allele origin: unknown.
Comment: This variant is considered benign. This variant is a silent/synonymous amino acid change and it is not expected to impact splicing.

Labcorp Genetics (formerly Invitae), Labcorp
Classification: Likely benign for Familial adenomatous polyposis 1. Last evaluated: 2023-10-09. Review status: criteria provided, single submitter. Criteria: Invitae Variant Classification Sherloc (09022015). Collection method: clinical testing. Allele origin: germline.